The following is an entry in ClinVar:

NM_001128225.3(SLC39A13):c.314G>A (p.Arg105His)

Gene: SLC39A13 (solute carrier family 39 member 13; plus strand). Cytogenetic location: 11p11.2.
Variant type: single nucleotide variant.
Coding change: c.314G>A on transcript NM_001128225.3 (MANE Select); coding-DNA position 314, G replaced by A.
Protein change: p.Arg105His; replaces arginine 105 with histidine.
Molecular consequence: missense variant. On other transcripts: non-coding transcript variant (1).
Genome position (GRCh38, 1-based): chr11:47,411,938, G>A. VCF-style: chr11-47411938-G-A. GRCh37 (hg19) VCF-style: chr11-47433489-G-A.
Other names: c.314G>A, p.Arg105His (NM_001330245.2, NM_152264.5); short protein forms R105H.
Identifiers: ClinVar variation 1440625 (VCV001440625.6), dbSNP rs762900525, ClinGen allele CA5975737.

ClinVar aggregate classification (germline): Uncertain significance (1 of 4 stars; one submission).

Conditions:
Ehlers-Danlos syndrome, spondylodysplastic type, 3. Also called: Ehlers-Danlos syndrome, spondylocheirodysplastic type. Identifiers: Orphanet 157965, MedGen C2676510, MONDO:0012873, OMIM 612350.

Allele frequency attached by ClinVar (database versions not stated): ExAC 0.00009; gnomAD 0.00001; gnomAD exomes 0.00004 and 0.00002; TOPMed 0.00002.
gnomAD v4.1: 31 of 1,613,302 alleles (0.0019%); highest among the groups gnomAD compares: Middle Eastern, 0.017%; no homozygotes.

Submission:

Labcorp Genetics (formerly Invitae), Labcorp
Classification: Uncertain significance for Ehlers-Danlos syndrome, spondylodysplastic type, 3. Last evaluated: 2025-11-24. Review status: criteria provided, single submitter. Criteria: Invitae Variant Classification Sherloc (09022015). Collection method: clinical testing. Allele origin: germline.
Comment: This sequence change replaces arginine, which is basic and polar, with histidine, which is basic and polar, at codon 105 of the SLC39A13 protein (p.Arg105His). This variant is present in population databases (rs762900525, gnomAD 0.02%). This variant has not been reported in the literature in individuals affected with SLC39A13-related conditions. ClinVar contains an entry for this variant (Variation ID: 1440625). Invitae Evidence Modeling of protein sequence and biophysical properties (such as structural, functional, and spatial information, amino acid conservation, physicochemical variation, residue mobility, and thermodynamic stability) indicates that this missense variant is not expected to disrupt SLC39A13 protein function with a negative predictive value of 80%. In summary, the available evidence is currently insufficient to determine the role of this variant in disease. Therefore, it has been classified as a Variant of Uncertain Significance.